The following is an entry in ClinVar:

ClinVar aggregate classification (germline): Uncertain significance. Review status: criteria provided, multiple submitters, no conflicts (2 of 4 stars). 2 submissions from 2 submitters: Uncertain significance (2). Last evaluated 2024-06-10.

Conditions:
Autosomal recessive early-onset Parkinson disease 6 (PARK6). Also called: PINK1-Related Parkinson Disease; PARKINSON DISEASE 6, EARLY-ONSET; PINK1 Type of Young-Onset Parkinson Disease; PARKINSON DISEASE 6, MODIFIER OF. Identifiers: Orphanet 2828, MedGen C1853833, MONDO:0011613, OMIM 605909.

Allele frequency attached by ClinVar (database versions not stated): gnomAD exomes 0.00001.
gnomAD v4.1: 7 of 1,584,772 alleles (0.00044%); highest among the groups gnomAD compares: Middle Eastern, 0.019%; no homozygotes.

Submissions (2):

Fulgent Genetics
Classification: Uncertain significance for Autosomal recessive early-onset Parkinson disease 6. Last evaluated: 2024-06-10. Review status: criteria provided, single submitter. Criteria: ACMG Guidelines, 2015. Collection method: clinical testing. Allele origin: germline.

Labcorp Genetics (formerly Invitae), Labcorp
Classification: Uncertain significance for Autosomal recessive early-onset Parkinson disease 6. Last evaluated: 2022-08-09. Review status: criteria provided, single submitter. Criteria: Invitae Variant Classification Sherloc (09022015). Collection method: clinical testing. Allele origin: germline.
Comment: The frequency data for this variant in the population databases is considered unreliable, as metrics indicate poor data quality at this position in the gnomAD database. In summary, the available evidence is currently insufficient to determine the role of this variant in disease. Therefore, it has been classified as a Variant of Uncertain Significance. Algorithms developed to predict the effect of sequence changes on RNA splicing suggest that this variant may create or strengthen a splice site. Algorithms developed to predict the effect of missense changes on protein structure and function (SIFT, PolyPhen-2, Align-GVGD) all suggest that this variant is likely to be tolerated. ClinVar contains an entry for this variant (Variation ID: 1447252). This missense change has been observed in individual(s) with Parkinson disease (PMID: 22644621). This sequence change replaces alanine, which is neutral and non-polar, with valine, which is neutral and non-polar, at codon 124 of the PINK1 protein (p.Ala124Val).

Literature cited by the submitters: PubMed 22644621 (cited by Labcorp Genetics (formerly Invitae), Labcorp).

NM_032409.3(PINK1):c.371C>T (p.Ala124Val)

Gene: PINK1 (PTEN induced kinase 1; plus strand). Cytogenetic location: 1p36.12.
Variant type: single nucleotide variant.
Coding change: c.371C>T on transcript NM_032409.3 (MANE Select); coding-DNA position 371, C replaced by T.
Protein change: p.Ala124Val; replaces alanine 124 with valine.
Molecular consequence: missense variant.
Genome position (GRCh38, 1-based): chr1:20,633,919, C>T. VCF-style: chr1-20633919-C-T. GRCh37 (hg19) VCF-style: chr1-20960412-C-T.
Other names: short protein forms A124V.
Identifiers: ClinVar variation 1447252 (VCV001447252.8), dbSNP rs1274588239, ClinGen allele CA338854466.